The following is an entry in ClinVar:

ClinVar aggregate classification (germline): Conflicting classifications of pathogenicity. Review status: criteria provided, conflicting classifications (1 of 4 stars). 9 submissions from 9 submitters: Uncertain significance (4); Likely benign (3). 2 of the submissions do not count toward it. Last evaluated 2026-01-18.

Conditions:
Bardet-Biedl syndrome (BBS). Identifiers: Orphanet 110, MedGen C0752166, MONDO:0015229.
Bardet-Biedl syndrome 1 (BBS1). Identifiers: MedGen C2936862, MONDO:0008854, OMIM 209900. Disease mechanism: loss of function.
BBS1-related ciliopathy. Identifiers: MedGen CN378629, MONDO:1040043.
Retinal dystrophy. Also called: Inherited retinal dystrophy. Identifiers: Orphanet 71862, MedGen C0854723, MeSH D058499, MONDO:0019118, HP:0000556.
BBS1-related disorder. Also called: BBS1-related condition.

Allele frequency attached by ClinVar (database versions not stated): gnomAD 0.00015 and 0.00009; 1000 Genomes Project 30x 0.00094; TOPMed 0.00014; gnomAD exomes 0.00018; ExAC 0.00018; 1000 Genomes Project 0.00100.
gnomAD v4.1: 275 of 1,614,108 alleles (0.017%); highest among the groups gnomAD compares: East Asian, 0.56%; 2 homozygotes.

Submissions (9):

Labcorp Genetics (formerly Invitae), Labcorp
Classification: Likely benign for Bardet-Biedl syndrome. Last evaluated: 2026-01-18. Review status: criteria provided, single submitter. Criteria: Invitae Variant Classification Sherloc (09022015). Collection method: clinical testing. Allele origin: germline.

Fulgent Genetics
Classification: Likely benign for Bardet-Biedl syndrome 1. Last evaluated: 2024-03-26. Review status: criteria provided, single submitter. Criteria: ACMG Guidelines, 2015. Collection method: clinical testing. Allele origin: germline.

Blueprint Genetics
Classification: Likely benign. Last evaluated: 2024-02-28. Review status: criteria provided, single submitter. Criteria: ACMG Guidelines, 2015. Collection method: clinical testing. Allele origin: germline.

Dept Of Ophthalmology, Nagoya University
Classification: Uncertain significance for Retinal dystrophy. Last evaluated: 2023-10-01. Review status: criteria provided, single submitter. Criteria: Submitter's publication. Collection method: research. Allele origin: germline. Affected: yes.

Department of Pathology and Laboratory Medicine, Sinai Health System
Classification: Uncertain significance for BBS1-related ciliopathy. Last evaluated: 2022-06-23. Review status: criteria provided, single submitter. Criteria: ACMG Guidelines, 2015. Collection method: research. Allele origin: germline.

GeneDx
Classification: Uncertain significance. Last evaluated: 2020-01-28. Review status: criteria provided, single submitter. Criteria: GeneDx Variant Classification Process June 2021. Collection method: clinical testing. Allele origin: germline. Affected: yes.
Comment: In silico analysis, which includes protein predictors and evolutionary conservation, supports that this variant does not alter protein structure/function; Has not been previously published as pathogenic or benign to our knowledge

Illumina Laboratory Services, Illumina
Classification: Uncertain significance for Bardet-Biedl syndrome 1. Last evaluated: 2018-01-13. Review status: criteria provided, single submitter. Criteria: ICSL Variant Classification Criteria 13 December 2019. Collection method: clinical testing. Allele origin: germline.

PreventionGenetics, part of Exact Sciences
Classification: Likely benign for BBS1-related condition. Last evaluated: 2021-12-28. Review status: no assertion criteria provided. Collection method: clinical testing. Allele origin: germline. Not counted in ClinVar's aggregate classification.
Comment: This variant is classified as likely benign based on ACMG/AMP sequence variant interpretation guidelines (Richards et al. 2015 PMID: 25741868, with internal and published modifications).

Natera, Inc.
Classification: Uncertain significance for Bardet-Biedl syndrome type 1. Last evaluated: 2020-04-14. Review status: no assertion criteria provided. Collection method: clinical testing. Allele origin: germline. Not counted in ClinVar's aggregate classification.

NM_024649.5(BBS1):c.1634A>G (p.Asn545Ser)

Genes: BBS1 (Bardet-Biedl syndrome 1; plus strand), ZDHHC24 (zDHHC palmitoyltransferase 24; minus strand). Cytogenetic location: 11q13.2.
Variant type: single nucleotide variant.
Coding change: c.1634A>G on transcript NM_024649.5 (MANE Select); coding-DNA position 1634, A replaced by G.
Protein change: p.Asn545Ser; replaces asparagine 545 with serine.
Molecular consequence: missense variant. On other transcripts: intron variant (1).
Genome position (GRCh38, 1-based): chr11:66,531,681, A>G. VCF-style: chr11-66531681-A-G. GRCh37 (hg19) VCF-style: chr11-66299152-A-G.
Other names: c.560-2193T>C (NM_001348571.2); short protein forms N545S.
Identifiers: ClinVar variation 698700 (VCV000698700.24), dbSNP rs148948642, ClinGen allele CA6123843.
Genomic context (GRCh38, chr11:66,531,681, plus strand): 5'-GGCTGGTTTCCTTACTTCTTTGTCCCCAAACTTAGGTACCCTTGCTGGTGCCAGGGCTCA[A>G]CTACCCCCTGGAGACCTTTGTGGAGAGTCTCAGTAACAAGGGCATCTCAGACATCATCAA-3'
Protein context (NP_078925.3, residues 535-555): FKVPLLVPGL[Asn545Ser]YPLETFVESL